The following is an entry in ClinVar:

NM_000384.3(APOB):c.11677G>A (p.Val3893Met)

Gene: APOB (apolipoprotein B; minus strand). Cytogenetic location: 2p24.1.
Variant type: single nucleotide variant.
Coding change: c.11677G>A on transcript NM_000384.3 (MANE Select); coding-DNA position 11677, G replaced by A.
Protein change: p.Val3893Met; replaces valine 3893 with methionine.
Molecular consequence: missense variant.
Genome position (GRCh38, 1-based): chr2:21,005,191, C>T on the plus strand (G>A on the coding strand, the complement: APOB is on the minus strand). VCF-style: chr2-21005191-C-T. GRCh37 (hg19) VCF-style: chr2-21228063-C-T.
Other names: c.11677G>A (NM_000384.2); short protein forms V3893M.
Identifiers: ClinVar variation 1038291 (VCV001038291.9), dbSNP rs771594871, ClinGen allele CA047108.

ClinVar aggregate classification (germline): Uncertain significance. Review status: criteria provided, multiple submitters, no conflicts (2 of 4 stars). 2 submissions from 2 submitters: Uncertain significance (2). Last evaluated 2026-07-02.

Conditions:
Hypercholesterolemia, autosomal dominant, type B (FHCL2). Also called: Familial hypercholesterolemia 2; Familial Hypercholesterolemia Type B; Hyperlipoproteinemia Type IIb; APOB-Related Familial Hypercholesterolemia, Autosomal Dominant; APOLIPOPROTEIN B-100, FAMILIAL DEFECTIVE; APOLIPOPROTEIN B-100, FAMILIAL LIGAND-DEFECTIVE. Identifiers: MedGen C1704417, MONDO:0007751, OMIM 144010.
Familial hypobetalipoproteinemia 1. Also called: Hypobetalipoproteinemia, normotriglyceridemic; Acanthocytosis with hypobetalipoproteinemia; APOB-Related Familial Hypobetalipoproteinemia. Identifiers: MedGen C4551990, MONDO:0014252, OMIM 615558.
Cardiovascular phenotype. Identifiers: MedGen CN230736.

Allele frequency attached by ClinVar (database versions not stated): gnomAD exomes 0.00001; ExAC 0.00001; gnomAD 0.00001; TOPMed 0.00002.
gnomAD v4.1: 9 of 1,613,866 alleles (0.00056%); highest among the groups gnomAD compares: Admixed American, 0.0017%; no homozygotes.

Submissions (2):

Ambry Genetics
Classification: Uncertain significance for Cardiovascular phenotype. Last evaluated: 2026-07-02. Review status: criteria provided, single submitter. Criteria: Ambry Variant Classification Scheme 2023. Collection method: clinical testing. Allele origin: germline.
Comment: The p.V3893M variant (also known as c.11677G>A), located in coding exon 26 of the APOB gene, results from a G to A substitution at nucleotide position 11677. The valine at codon 3893 is replaced by methionine, an amino acid with highly similar properties. This amino acid position is conserved. In addition, this alteration is predicted to be tolerated by in silico analysis. Based on the available evidence, the clinical significance of this variant remains unclear.

Labcorp Genetics (formerly Invitae), Labcorp
Classification: Uncertain significance for Familial hypobetalipoproteinemia 1; Hypercholesterolemia, autosomal dominant, type B. Last evaluated: 2025-09-27. Review status: criteria provided, single submitter. Criteria: Invitae Variant Classification Sherloc (09022015). Collection method: clinical testing. Allele origin: germline.
Comment: This sequence change replaces valine, which is neutral and non-polar, with methionine, which is neutral and non-polar, at codon 3893 of the APOB protein (p.Val3893Met). This variant is present in population databases (rs771594871, gnomAD 0.002%). This variant has not been reported in the literature in individuals affected with APOB-related conditions. ClinVar contains an entry for this variant (Variation ID: 1038291). Invitae Evidence Modeling of protein sequence and biophysical properties (such as structural, functional, and spatial information, amino acid conservation, physicochemical variation, residue mobility, and thermodynamic stability) indicates that this missense variant is not expected to disrupt APOB protein function with a negative predictive value of 95%. In summary, the available evidence is currently insufficient to determine the role of this variant in disease. Therefore, it has been classified as a Variant of Uncertain Significance.